The following is an entry in ClinVar:

NM_001038603.3(MARVELD2):c.608dup (p.Leu203fs)

Gene: MARVELD2 (MARVEL domain containing 2; plus strand). Cytogenetic location: 5q13.2.
Variant type: Duplication.
Coding change: c.608dup on transcript NM_001038603.3 (MANE Select); coding-DNA position 608, one base duplicated (T; older notation c.608dupT).
Protein change: p.Leu203fs; shifts the reading frame from leucine 203.
Molecular consequence: frameshift variant.
Genome position (GRCh38, 1-based): chr5:69,419,993, T duplicated; the last of 4 consecutive T bases (chr5:69,419,990-69,419,993); duplicating any one gives the same sequence. VCF-style (leftmost placement, unchanged base first): chr5-69419989-C-CT. GRCh37 (hg19) VCF-style: chr5-68715816-C-CT.
Other names: NM_001038603.2:c.608dup, p.(Leu203Phefs*18); c.608dup, p.Leu203fs (NM_001244734.2); short protein forms L203fs.
Identifiers: ClinVar variation 1299311 (VCV001299311.2), dbSNP rs2150914115, ClinGen allele CA2499217882.

ClinVar aggregate classification (germline): Pathogenic (1 of 4 stars; one submission).

Conditions:
Autosomal recessive nonsyndromic hearing loss 49. Also called: Deafness, neurosensory, autosomal recessive 49. Identifiers: Orphanet 90636, MedGen C1857811, MONDO:0012420, OMIM 610153.

Submission:

King Laboratory, University of Washington
Classification: Pathogenic for Autosomal recessive nonsyndromic hearing loss 49. Last evaluated: 2020-08-01. Review status: criteria provided, single submitter. Criteria: Abu Rayyan A et al. (Proc Natl Acad Sci U S A 2020). Collection method: research. Allele origin: germline. Affected: yes.
Comment: MARVELD2 c.608dupT leads to a stop at codon 221. The variant is absent from 1300 Palestinian controls and absent from Public databases.